The following is an entry in ClinVar:

NM_005876.5(SPEG):c.6393C>A (p.Phe2131Leu)

Genes: ASIC4-AS1 (ASIC4 antisense RNA 1; minus strand), SPEG (striated muscle enriched protein kinase; plus strand). Cytogenetic location: 2q35.
Variant type: single nucleotide variant.
Coding change: c.6393C>A on transcript NM_005876.5 (MANE Select); coding-DNA position 6393, C replaced by A.
Protein change: p.Phe2131Leu; replaces phenylalanine 2131 with leucine.
Molecular consequence: missense variant.
Genome position (GRCh38, 1-based): chr2:219,483,856, C>A. VCF-style: chr2-219483856-C-A. GRCh37 (hg19) VCF-style: chr2-220348578-C-A.
Other names: c.6393C>A (NM_005876.4); short protein forms F2131L.
Identifiers: ClinVar variation 1441206 (VCV001441206.4), dbSNP rs373080805, ClinGen allele CA2127026.

ClinVar aggregate classification (germline): Uncertain significance. Review status: criteria provided, multiple submitters, no conflicts (2 of 4 stars). 2 submissions from 2 submitters: Uncertain significance (2). Last evaluated 2025-04-09.

Conditions:
Inborn genetic diseases. Identifiers: MedGen C0950123, MeSH D030342.

Allele frequency attached by ClinVar (database versions not stated): TOPMed 0.00003; gnomAD exomes 0.00005 and 0.00002; ExAC 0.00004; ESP Exome Variant Server 0.00009; gnomAD 0.00002 and 0.00001.
gnomAD v4.1: 73 of 1,593,562 alleles (0.0046%); highest among the groups gnomAD compares: Non-Finnish European, 0.006%; no homozygotes.

Submissions (2):

Ambry Genetics
Classification: Uncertain significance for Inborn genetic diseases. Last evaluated: 2025-04-09. Review status: criteria provided, single submitter. Criteria: Ambry Variant Classification Scheme 2023. Collection method: clinical testing. Allele origin: germline.

Labcorp Genetics (formerly Invitae), Labcorp
Classification: Uncertain significance. Last evaluated: 2021-08-07. Review status: criteria provided, single submitter. Criteria: Invitae Variant Classification Sherloc (09022015). Collection method: clinical testing. Allele origin: germline.
Comment: This sequence change replaces phenylalanine with leucine at codon 2131 of the SPEG protein (p.Phe2131Leu). The phenylalanine residue is highly conserved and there is a small physicochemical difference between phenylalanine and leucine. This variant is present in population databases (rs373080805, ExAC 0.03%). This variant has not been reported in the literature in individuals affected with SPEG-related conditions. Algorithms developed to predict the effect of missense changes on protein structure and function are either unavailable or do not agree on the potential impact of this missense change (SIFT: "Deleterious"; PolyPhen-2: "Benign"; Align-GVGD: "Class C0"). In summary, the available evidence is currently insufficient to determine the role of this variant in disease. Therefore, it has been classified as a Variant of Uncertain Significance.